The following is an entry in ClinVar:

NM_014363.6(SACS):c.12138A>G (p.Lys4046=)

Gene: SACS (sacsin molecular chaperone; minus strand). Cytogenetic location: 13q12.12.
Variant type: single nucleotide variant.
Coding change: c.12138A>G on transcript NM_014363.6 (MANE Select); coding-DNA position 12138, A replaced by G.
Protein change: p.Lys4046=; no amino-acid change (lysine 4046 retained).
Molecular consequence: synonymous variant.
Genome position (GRCh38, 1-based): chr13:23,331,738, T>C on the plus strand (A>G on the coding strand, the complement: SACS is on the minus strand). VCF-style: chr13-23331738-T-C. GRCh37 (hg19) VCF-style: chr13-23905877-T-C.
Other names: c.11697A>G, p.Lys3899= (NM_001278055.2).
Identifiers: ClinVar variation 2643672 (VCV002643672.24), dbSNP rs1883492004, ClinGen allele CA483158019.

ClinVar aggregate classification (germline): Likely benign (1 of 4 stars; one submission).

Allele frequency attached by ClinVar (database versions not stated): gnomAD 0.00001.
gnomAD v4.1: 1 of 1,614,034 alleles (0.000062%); highest among the groups gnomAD compares: South Asian, 0.0011%; no homozygotes.

Submission:

CeGaT Center for Human Genetics Tuebingen
Classification: Likely benign. Last evaluated: 2022-11-01. Review status: criteria provided, single submitter. Criteria: CeGaT Center For Human Genetics Tuebingen Variant Classification Criteria Version 2. Collection method: clinical testing. Allele origin: germline. Affected: yes. Observed: 1 variant allele.
Comment: SACS: BP4, BP7